The following is an entry in ClinVar:

NM_000090.4(COL3A1):c.583-8C>T

Gene: COL3A1 (collagen type III alpha 1 chain; plus strand). Cytogenetic location: 2q32.2.
Variant type: single nucleotide variant.
Coding change: c.583-8C>T on transcript NM_000090.4 (MANE Select); 8 bases into the intron before coding-DNA position 583, C replaced by T.
Molecular consequence: intron variant.
Genome position (GRCh38, 1-based): chr2:188,988,582, C>T. VCF-style: chr2-188988582-C-T. GRCh37 (hg19) VCF-style: chr2-189853308-C-T.
Other names: p.?.
Identifiers: ClinVar variation 136841 (VCV000136841.32), dbSNP rs10166835, ClinGen allele CA007081.
Genomic context (GRCh38, chr2:188,988,582, plus strand): 5'-GTCAAGATGTAAATGAATTATATGAAGATTTTGTTACTTTAAAATTATTTACATATTCTA[C>T]TCACTAGGGATCTCCAGGATACCAAGGACCCCCTGGTGAACCTGGGCAAGCTGGTCCTTC-3'

ClinVar aggregate classification (germline): Benign/Likely benign. Review status: criteria provided, multiple submitters, no conflicts (2 of 4 stars). 12 submissions from 12 submitters: Benign (11); Likely benign (1). Last evaluated 2026-03-27.

Conditions:
Ehlers-Danlos syndrome, type 4 (EDSVASC). Also called: Ehlers-Danlos syndrome vascular type; Ehlers Danlos syndrome, ecchymotic type; Ehlers Danlos syndrome, arterial type; Ehlers Danlos syndrome, Sack-Barabas type; Ehlers-Danlos Syndrome Type IV. Identifiers: Orphanet 286, MedGen C0268338, MONDO:0017314, OMIM 130050.
Familial thoracic aortic aneurysm and aortic dissection (TAAD). Also called: Thoracic aortic aneurysms and dissections. Identifiers: Orphanet 91387, MedGen C4707243, MONDO:0019625.

Allele frequency attached by ClinVar (database versions not stated): gnomAD exomes 0.00062 and 0.00153; ExAC 0.00214; 1000 Genomes Project 0.00599; gnomAD 0.00660 and 0.00713; 1000 Genomes Project 30x 0.00703; ESP Exome Variant Server 0.00709; TOPMed 0.00735.
gnomAD v4.1: 1,911 of 1,586,158 alleles (0.12%); highest among the groups gnomAD compares: African/African-American, 2.4%; 30 homozygotes.

Submissions (12):

Molecular Diagnostic Laboratory for Inherited Cardiovascular Disease, Montreal Heart Institute
Classification: Benign. Last evaluated: 2026-03-27. Review status: criteria provided, single submitter. Criteria: ACMG Guidelines, 2015. Collection method: clinical testing. Allele origin: germline. Affected: no.
Comment: BS1

Labcorp Genetics (formerly Invitae), Labcorp
Classification: Benign for Ehlers-Danlos syndrome, type 4. Last evaluated: 2026-02-02. Review status: criteria provided, single submitter. Criteria: Invitae Variant Classification Sherloc (09022015). Collection method: clinical testing. Allele origin: germline.

ARUP Laboratories, Molecular Genetics and Genomics, ARUP Laboratories
Classification: Benign. Last evaluated: 2024-11-18. Review status: criteria provided, single submitter. Criteria: ARUP Molecular Germline Variant Investigation Process 2024. Collection method: clinical testing. Allele origin: germline.

Blueprint Genetics
Classification: Likely benign. Last evaluated: 2024-10-02. Review status: criteria provided, single submitter. Criteria: ACMG Guidelines, 2015. Collection method: clinical testing. Allele origin: germline.

Mayo Clinic Laboratories, Mayo Clinic
Classification: Benign. Last evaluated: 2023-05-11. Review status: criteria provided, single submitter. Criteria: ACMG Guidelines, 2015. Collection method: clinical testing. Allele origin: germline. Observed: 14 variant alleles.
Comment: BS1, BS2, BP4, BP7

Color Diagnostics, LLC DBA Color Health
Classification: Benign for Familial thoracic aortic aneurysm and aortic dissection. Last evaluated: 2018-03-09. Review status: criteria provided, single submitter. Criteria: ACMG Guidelines, 2015. Collection method: clinical testing. Allele origin: germline.

Illumina Laboratory Services, Illumina
Classification: Benign for Ehlers-Danlos syndrome, type 4. Last evaluated: 2018-01-13. Review status: criteria provided, single submitter. Criteria: ICSL Variant Classification Criteria 13 December 2019. Collection method: clinical testing. Allele origin: germline.
Comment: This variant was observed in the ICSL laboratory as part of a predisposition screen in an ostensibly healthy population. It had not been previously curated by ICSL or reported in the Human Gene Mutation Database (HGMD: prior to June 1st, 2018), and was therefore a candidate for classification through an automated scoring system. Utilizing variant allele frequency, disease prevalence and penetrance estimates, and inheritance mode, an automated score was calculated to assess if this variant is too frequent to cause the disease. Based on the score and internal cut-off values, a variant classified as benign is not then subjected to further curation. The score for this variant resulted in a classification of benign for this disease.

CHEO Genetics Diagnostic Laboratory, Children's Hospital of Eastern Ontario
Classification: Benign for Familial thoracic aortic aneurysm and aortic dissection. Last evaluated: 2016-05-02. Review status: criteria provided, single submitter. Criteria: ACMG Guidelines, 2015. Collection method: clinical testing. Allele origin: germline. Study: Canadian Open Genetics Repository.

Women's Health and Genetics/Laboratory Corporation of America, LabCorp
Classification: Benign. Last evaluated: 2016-05-02. Review status: criteria provided, single submitter. Criteria: LabCorp Variant Classification Summary - May 2015. Collection method: clinical testing. Allele origin: germline.
Comment: Variant summary: The COL3A1 c.583-8C>T variant involves the alteration of an intronic non-conserved nucleotide. Mutation taster predicts benign outcome for this substitution. 3/5 programs in Alamut predict that this variant does not affect normal splicing, however no functional studies supporting this notion were published at the time of evaluation. The variant is found in 225/105268 control chromosomes, predominantly observed in the African subpopulation at a frequency of 0.026, including 8 homozygous occurrences. This greatly exceeds the estimated maximal expected allele frequency for a pathogenic variant (0.0000013), suggesting this is a benign polymorphism found primarily in population of African origin. To our knowledge, the variant of interest has not been reported in affected individuals via publications and/or reputable databases/clinical laboratories. One clinical laboratory has classified this variant as Benign via ClinVar (without evidence to independently evaluate). Considering the high prevalence of the variant in the African subpopulation, it was classified as Benign.

GeneDx
Classification: Benign. Last evaluated: 2013-07-12. Review status: criteria provided, single submitter. Criteria: GeneDx Variant Classification (06012015). Collection method: clinical testing. Allele origin: germline. Affected: yes.
Comment: This variant is considered likely benign or benign based on one or more of the following criteria: it is a conservative change, it occurs at a poorly conserved position in the protein, it is predicted to be benign by multiple in silico algorithms, and/or has population frequency not consistent with disease.

Breakthrough Genomics
Classification: Benign. Review status: criteria provided, single submitter. Criteria: ACMG Guidelines, 2015. Collection method: not provided. Allele origin: germline. Inheritance: Autosomal recessive inheritance. Affected: yes.

PreventionGenetics, part of Exact Sciences
Classification: Benign. Review status: criteria provided, single submitter. Criteria: ACMG Guidelines, 2015. Collection method: clinical testing. Allele origin: germline.